The following is an entry in ClinVar:

ClinVar aggregate classification (germline): Uncertain significance. Review status: criteria provided, single submitter (1 of 4 stars). 2 submissions from 2 submitters: Uncertain significance (1). 1 of the submissions does not count toward it. Last evaluated 2021-03-18.

Conditions:
VPS13B-related disorder. Also called: VPS13B-related condition.
Cohen syndrome (COH1). Also called: Cutis verticis gyrata, retinitis pigmentosa, and sensorineural deafness; PEPPER SYNDROME. Identifiers: Orphanet 193, MedGen C0265223, MONDO:0008999, OMIM 216550.

Allele frequency attached by ClinVar (database versions not stated): gnomAD 0.00001; gnomAD exomes 0.00002; TOPMed 0.00002; ExAC 0.00007; ESP Exome Variant Server 0.00008.
gnomAD v4.1: 34 of 1,613,364 alleles (0.0021%); highest among the groups gnomAD compares: South Asian, 0.021%; no homozygotes.

Submissions (2):

Revvity Omics, Revvity
Classification: Uncertain significance for Cohen syndrome. Last evaluated: 2021-03-18. Review status: criteria provided, single submitter. Criteria: ACMG Guidelines, 2015. Collection method: clinical testing. Allele origin: germline.

PreventionGenetics, part of Exact Sciences
Classification: Uncertain significance for VPS13B-related condition. Last evaluated: 2024-02-09. Review status: no assertion criteria provided. Collection method: clinical testing. Allele origin: germline. Not counted in ClinVar's aggregate classification.
Comment: The VPS13B c.2512A>G variant is predicted to result in the amino acid substitution p.Ile838Val. To our knowledge, this variant has not been reported in the literature. This variant is reported in 0.026% of alleles in individuals of South Asian descent in gnomAD. At this time, the clinical significance of this variant is uncertain due to the absence of conclusive functional and genetic evidence.

NM_152564.5(VPS13B):c.2512A>G (p.Ile838Val)

Gene: VPS13B (vacuolar protein sorting 13 homolog B; plus strand). Cytogenetic location: 8q22.2.
Variant type: single nucleotide variant.
Coding change: c.2512A>G on transcript NM_152564.5 (MANE Select); coding-DNA position 2512, A replaced by G.
Protein change: p.Ile838Val; replaces isoleucine 838 with valine.
Molecular consequence: missense variant.
Genome position (GRCh38, 1-based): chr8:99,193,054, A>G. VCF-style: chr8-99193054-A-G. GRCh37 (hg19) VCF-style: chr8-100205282-A-G.
Other names: c.2512A>G, p.Ile838Val (NM_015243.3, NM_017890.5); short protein forms I838V.
Identifiers: ClinVar variation 2438529 (VCV002438529.5), dbSNP rs147924250, ClinGen allele CA4822914.